The following is an entry in ClinVar:

ClinVar aggregate classification (germline): Benign/Likely benign. Review status: criteria provided, multiple submitters, no conflicts (2 of 4 stars). 5 submissions from 5 submitters: Benign (4); Likely benign (1). Last evaluated 2026-02-01.

Conditions:
46,XY sex reversal 6. Also called: 46,XY GONADAL DYSGENESIS, PARTIAL OR COMPLETE, MAP3K1-RELATED; 46,XY SEX REVERSAL, PARTIAL OR COMPLETE, MAP3K1-RELATED. Identifiers: MedGen C3151064, MONDO:0013410, OMIM 613762.

Allele frequency attached by ClinVar (database versions not stated): gnomAD exomes 0.07199 and 0.07261; ExAC 0.07206; ESP Exome Variant Server 0.07856; gnomAD 0.07871 and 0.07904; TOPMed 0.08139; 1000 Genomes Project 0.09006; 1000 Genomes Project 30x 0.09463.
gnomAD v4.1: 118,139 of 1,614,018 alleles (7.3%); highest among the groups gnomAD compares: East Asian, 14%; 4,573 homozygotes.

Submissions (18):

Labcorp Genetics (formerly Invitae), Labcorp
Classification: Benign for 46,XY sex reversal 6. Last evaluated: 2026-02-01. Review status: criteria provided, single submitter. Criteria: Invitae Variant Classification Sherloc (09022015). Collection method: clinical testing. Allele origin: germline.

Blueprint Genetics
Classification: Likely benign. Last evaluated: 2024-11-26. Review status: criteria provided, single submitter. Criteria: ACMG Guidelines, 2015. Collection method: clinical testing. Allele origin: germline.

Victorian Clinical Genetics Services, Murdoch Childrens Research Institute
Classification: Benign for 46,XY sex reversal 6. Last evaluated: 2022-06-24. Review status: criteria provided, single submitter. Criteria: ACMG Guidelines, 2015. Collection method: clinical testing. Allele origin: germline. Inheritance: Autosomal dominant inheritance.
Comment: Based on the classification scheme VCGS_Germline_v1.3.4, this variant is classified as Benign. Following criteria are met: 0101 - Gain of function is a known mechanism of disease in this gene and is associated with 46XY sex reversal 6 (MIM#613762) (PMIDs: 24135036, 21129722, 30608580). (I) 0107 - This gene is associated with autosomal dominant disease. (I) 0115 - Variants in this gene are known to have variable expressivity. Intrafamilial and interfamilial variability have been reported, ranging from hypospadias to complete gonadal dysgenesis (PMIDs: 27899157, 12476449, 21129722). (I) 0212 - Non-canonical splice site variant without proven consequence on splicing (no functional evidence available). (I) 0251 - This variant is heterozygous. (I) 0308 - Population frequency for this variant is out of keeping with known incidence of 46XY sex reversal 6 (MIM#613762) (gnomAD v2: 18666 heterozygotes, 807 homozygotes). (SB) 0508 - In silico predictions for abnormal splicing are conflicting. (I) 0604 - Variant is not located in an established domain, motif, hotspot or informative constraint region. (I) 0705 - No comparable single nucleotide substitution variants have previous evidence for pathogenicity. (I) 0806 - This variant has moderate previous evidence of being benign in unrelated individuals. It has been reported as benign by clinical testing laboratories (ClinVar). (SB) 0905 - No published segregation evidence has been identified for this variant. (I) 1007 - No published functional evidence has been identified for this variant. (I) 1208 - Inheritance information for this variant is not currently available in this individual. (I) Legend: (SP) - Supporting pathogenic, (I) - Information, (SB) - Supporting benign

GeneDx
Classification: Benign. Last evaluated: 2018-11-12. Review status: criteria provided, single submitter. Criteria: GeneDx Variant Classification Process June 2021. Collection method: clinical testing. Allele origin: germline. Affected: yes.

Breakthrough Genomics
Classification: Benign. Review status: criteria provided, single submitter. Criteria: ACMG Guidelines, 2015. Collection method: not provided. Allele origin: germline. Inheritance: Autosomal dominant inheritance. Affected: yes.

Dr. Peter K. Rogan Lab, Western University
No classification provided (evidence only). Condition: Colon adenocarcinoma. Review status: no classification provided. Collection method: in vitro. Allele origin: not applicable. Functional consequence: retained intron. Not counted in ClinVar's aggregate classification.

Dr. Peter K. Rogan Lab, Western University
No classification provided (evidence only). Condition: Colon adenocarcinoma. Review status: no classification provided. Collection method: in vitro. Allele origin: not applicable. Functional consequence: retained intron. Not counted in ClinVar's aggregate classification.

Dr. Peter K. Rogan Lab, Western University
No classification provided (evidence only). Condition: Colon adenocarcinoma. Review status: no classification provided. Collection method: in vitro. Allele origin: not applicable. Functional consequence: retained intron. Not counted in ClinVar's aggregate classification.

Dr. Peter K. Rogan Lab, Western University
No classification provided (evidence only). Condition: Colon adenocarcinoma. Review status: no classification provided. Collection method: in vitro. Allele origin: not applicable. Functional consequence: retained intron. Not counted in ClinVar's aggregate classification.

Dr. Peter K. Rogan Lab, Western University
No classification provided (evidence only). Condition: Colorectal cancer. Review status: no classification provided. Collection method: in vitro. Allele origin: not applicable. Functional consequence: retained intron. Not counted in ClinVar's aggregate classification.

Dr. Peter K. Rogan Lab, Western University
No classification provided (evidence only). Condition: Colorectal cancer. Review status: no classification provided. Collection method: in vitro. Allele origin: not applicable. Functional consequence: retained intron. Not counted in ClinVar's aggregate classification.

Dr. Peter K. Rogan Lab, Western University
No classification provided (evidence only). Condition: Thymoma. Review status: no classification provided. Collection method: in vitro. Allele origin: not applicable. Functional consequence: retained intron. Not counted in ClinVar's aggregate classification.

Dr. Peter K. Rogan Lab, Western University
No classification provided (evidence only). Condition: Thymoma. Review status: no classification provided. Collection method: in vitro. Allele origin: not applicable. Functional consequence: retained intron. Not counted in ClinVar's aggregate classification.

Dr. Peter K. Rogan Lab, Western University
No classification provided (evidence only). Condition: Thymoma. Review status: no classification provided. Collection method: in vitro. Allele origin: not applicable. Functional consequence: retained intron. Not counted in ClinVar's aggregate classification.

Dr. Peter K. Rogan Lab, Western University
No classification provided (evidence only). Condition: Thymoma. Review status: no classification provided. Collection method: in vitro. Allele origin: not applicable. Functional consequence: retained intron. Not counted in ClinVar's aggregate classification.

Dr. Peter K. Rogan Lab, Western University
No classification provided (evidence only). Condition: Thymoma. Review status: no classification provided. Collection method: in vitro. Allele origin: not applicable. Functional consequence: retained intron. Not counted in ClinVar's aggregate classification.

Dr. Peter K. Rogan Lab, Western University
No classification provided (evidence only). Condition: Thymoma. Review status: no classification provided. Collection method: in vitro. Allele origin: not applicable. Functional consequence: retained intron. Not counted in ClinVar's aggregate classification.

Dr. Peter K. Rogan Lab, Western University
No classification provided (evidence only). Condition: Thymoma. Review status: no classification provided. Collection method: in vitro. Allele origin: not applicable. Functional consequence: retained intron. Not counted in ClinVar's aggregate classification.

Literature cited by the submitters: PubMed 12476449 (cited by Victorian Clinical Genetics Services, Murdoch Childrens Research Institute); PubMed 20301714 (cited by Victorian Clinical Genetics Services, Murdoch Childrens Research Institute); PubMed 21129722 (cited by Victorian Clinical Genetics Services, Murdoch Childrens Research Institute); PubMed 24135036 (cited by Victorian Clinical Genetics Services, Murdoch Childrens Research Institute); PubMed 24497709 (cited by Victorian Clinical Genetics Services, Murdoch Childrens Research Institute); PubMed 27899157 (cited by Victorian Clinical Genetics Services, Murdoch Childrens Research Institute); PubMed 28504475 (cited by Victorian Clinical Genetics Services, Murdoch Childrens Research Institute); PubMed 30608580 (cited by Victorian Clinical Genetics Services, Murdoch Childrens Research Institute).

NM_005921.2(MAP3K1):c.3084A>G (p.Gln1028=)

Gene: MAP3K1 (mitogen-activated protein kinase kinase kinase 1; plus strand). Cytogenetic location: 5q11.2.
Variant type: single nucleotide variant.
Coding change: c.3084A>G on transcript NM_005921.2 (MANE Select); coding-DNA position 3084, A replaced by G.
Protein change: p.Gln1028=; no amino-acid change (glutamine 1028 retained).
Molecular consequence: synonymous variant.
Genome position (GRCh38, 1-based): chr5:56,882,284, A>G. VCF-style: chr5-56882284-A-G. GRCh37 (hg19) VCF-style: chr5-56178111-A-G.
Identifiers: ClinVar variation 1170263 (VCV001170263.15), dbSNP rs3822625, ClinGen allele CA3273115.
Genomic context (GRCh38, chr5:56,882,284, plus strand): 5'-ATTCATTCCCTGCAGAATACCTTCTGCATCTCCTCAAACACAGCGCAAGTTTTCTCTACA[A>G]TTCCACAGAAACTGTCCTGAAAACAAAGACTCAGATAAACTTTCCCCAGTCTTTACTCAG-3'
Protein context (NP_005912.1, residues 1018-1038): SPQTQRKFSL[Gln1028=]FHRNCPENKD